The following is an entry in ClinVar:

NM_148897.3(SDR9C7):c.499G>A (p.Val167Ile)

Gene: SDR9C7 (short chain dehydrogenase/reductase family 9C member 7; minus strand). Cytogenetic location: 12q13.3.
Variant type: single nucleotide variant.
Coding change: c.499G>A on transcript NM_148897.3 (MANE Select); coding-DNA position 499, G replaced by A.
Protein change: p.Val167Ile; replaces valine 167 with isoleucine.
Molecular consequence: missense variant.
Genome position (GRCh38, 1-based): chr12:56,930,287, C>T on the plus strand (G>A on the coding strand, the complement: SDR9C7 is on the minus strand). VCF-style: chr12-56930287-C-T. GRCh37 (hg19) VCF-style: chr12-57324071-C-T.
Other names: short protein forms V167I.
Identifiers: ClinVar variation 2662892 (VCV002662892.1), dbSNP rs200612676, ClinGen allele CA6638153.

ClinVar aggregate classification (germline): Uncertain significance (1 of 4 stars; one submission).

Allele frequency attached by ClinVar (database versions not stated): TOPMed 0.00001; ExAC 0.00002; gnomAD 0.00004; 1000 Genomes Project 30x 0.00031; 1000 Genomes Project 0.00040.
gnomAD v4.1: 14 of 1,614,196 alleles (0.00087%); highest among the groups gnomAD compares: African/African-American, 0.004%; no homozygotes.

Submission:

GeneDx
Classification: Uncertain significance. Last evaluated: 2023-04-29. Review status: criteria provided, single submitter. Criteria: GeneDx Variant Classification Process June 2021. Collection method: clinical testing. Allele origin: germline. Affected: yes.
Comment: In silico analysis supports that this missense variant does not alter protein structure/function; Has not been previously published as pathogenic or benign to our knowledge